The following is an entry in ClinVar:

ClinVar aggregate classification (germline): Conflicting classifications of pathogenicity. Review status: criteria provided, conflicting classifications (1 of 4 stars). 4 submissions from 4 submitters: Uncertain significance (1); Benign (2). 1 of the submissions does not count toward it. Last evaluated 2025-11-13.

Conditions:
Autosomal dominant Parkinson disease 8. Also called: LRRK2-Related Parkinson Disease; Parkinson disease 8; Parkinson disease 8, susceptibility to. Identifiers: Orphanet 411602, MedGen C1846862, MONDO:0011764, OMIM 607060.

Allele frequency attached by ClinVar (database versions not stated): TOPMed 0.00017; ExAC 0.00021; gnomAD 0.00016 and 0.00015; ESP Exome Variant Server 0.00008; gnomAD exomes 0.00020 and 0.00009.
gnomAD v4.1: 154 of 1,612,264 alleles (0.0096%); highest among the groups gnomAD compares: Admixed American, 0.015%; no homozygotes.

Submissions (4):

Labcorp Genetics (formerly Invitae), Labcorp
Classification: Benign for Autosomal dominant Parkinson disease 8. Last evaluated: 2025-11-13. Review status: criteria provided, single submitter. Criteria: Invitae Variant Classification Sherloc (09022015). Collection method: clinical testing. Allele origin: germline.

Athena Diagnostics
Classification: Benign. Last evaluated: 2020-01-30. Review status: criteria provided, single submitter. Criteria: Athena Diagnostics Criteria. Collection method: clinical testing. Allele origin: unknown.

Illumina Laboratory Services, Illumina
Classification: Uncertain significance for Autosomal dominant Parkinson disease 8. Last evaluated: 2017-04-28. Review status: criteria provided, single submitter. Criteria: ICSL Variant Classification Criteria 13 December 2019. Collection method: clinical testing. Allele origin: germline.
Comment: This variant was observed as part of a predisposition screen in an ostensibly healthy population. A literature search was performed for the gene, cDNA change, and amino acid change (where applicable). Publications were found based on this search. However, the evidence from the literature, in combination with allele frequency data from public databases where available, was not sufficient to rule this variant in or out of causing disease. Therefore, this variant is classified as a variant of unknown significance.

GeneReviews
No classification provided. Condition: Autosomal dominant Parkinson disease 8. Review status: no classification provided. Collection method: literature only. Allele origin: unknown. Not counted in ClinVar's aggregate classification.

Literature cited by the submitters: PubMed 21885347 (cited by Athena Diagnostics and Illumina Laboratory Services, Illumina); PubMed 19472409 (cited by Athena Diagnostics and Illumina Laboratory Services, Illumina); PubMed 27094865 (cited by Athena Diagnostics and Illumina Laboratory Services, Illumina); PubMed 20301387 (cited by Illumina Laboratory Services, Illumina and GeneReviews); NCBI Bookshelf NBK1208 (cited by GeneReviews).

NM_198578.4(LRRK2):c.1561A>G (p.Arg521Gly)

Gene: LRRK2 (leucine rich repeat kinase 2; plus strand). Cytogenetic location: 12q12.
Variant type: single nucleotide variant.
Coding change: c.1561A>G on transcript NM_198578.4 (MANE Select); coding-DNA position 1561, A replaced by G.
Protein change: p.Arg521Gly; replaces arginine 521 with glycine.
Molecular consequence: missense variant.
Genome position (GRCh38, 1-based): chr12:40,263,806, A>G. VCF-style: chr12-40263806-A-G. GRCh37 (hg19) VCF-style: chr12-40657608-A-G.
Other names: short protein forms R521G.
Identifiers: ClinVar variation 39137 (VCV000039137.15), dbSNP rs35328937, ClinGen allele CA343485.